The following is an entry in ClinVar:

ClinVar aggregate classification (germline): Uncertain significance (1 of 4 stars; one submission).

Submission:

Women's Health and Genetics/Laboratory Corporation of America, LabCorp
Classification: Uncertain significance. Last evaluated: 2025-12-10. Review status: criteria provided, single submitter. Criteria: LabCorp Variant Classification Summary - May 2015. Collection method: clinical testing. Allele origin: germline.
Comment: Variant summary: CFTR c.2375_2377delGAA (p.Arg792_Lys793delinsGln) results in an in-frame deletion-insertion that is predicted to delete one amino acids from the protein. The frequency data for this variant in gnomAD is considered unreliable, as metrics indicate poor data quality at this position. To our knowledge, no occurrence of c.2375_2377delGAA in individuals affected with CFTR-related conditions and no experimental evidence demonstrating its impact on protein function have been reported. ClinVar contains an entry for this variant (Variation ID: 3233532). Based on the evidence outlined above, the variant was classified as uncertain significance.

NM_000492.4(CFTR):c.2375_2377del (p.Arg792_Lys793delinsGln)

Gene: CFTR (CF transmembrane conductance regulator; plus strand). Cytogenetic location: 7q31.2.
Variant type: Deletion.
Coding change: c.2375_2377del on transcript NM_000492.4 (MANE Select); coding-DNA positions 2375 to 2377, 3 bases deleted (GAA; older notation c.2375_2377delGAA).
Protein change: p.Arg792_Lys793delinsGln.
Molecular consequence: inframe indel.
Genome position (GRCh38, 1-based): chr7:117,592,542-117,592,544, GAA deleted. VCF-style (leftmost placement, unchanged base first): chr7-117592541-CGAA-C. GRCh37 (hg19) VCF-style: chr7-117232595-CGAA-C.
Other names: c.2375_2377delGAA (NM_000492.4).
Identifiers: ClinVar variation 3233532 (VCV003233532.3), dbSNP rs2485110637, ClinGen allele CA577680773.
Genomic context (GRCh38, chr7:117,592,541, plus strand): 5'-CTGATGACACACTCAGTTAACCAAGGTCAGAACATTCACCGAAAGACAACAGCATCCACA[CGAA>C]AAGTGTCACTGGCCCCTCAGGCAAACTTGACTGAACTGGATATATATTCAAGAAGGTTAT-3'